The following is an entry in ClinVar:

ClinVar aggregate classification (germline): Uncertain significance (1 of 4 stars; one submission).

Allele frequency attached by ClinVar (database versions not stated): TOPMed below 0.00001; gnomAD 0.00001.
gnomAD v4.1: 2 of 1,606,444 alleles (0.00012%); highest among the groups gnomAD compares: Non-Finnish European, 0.00017%; no homozygotes.

Submission:

GeneDx
Classification: Uncertain significance. Last evaluated: 2022-03-08. Review status: criteria provided, single submitter. Criteria: GeneDx Variant Classification Process June 2021. Collection method: clinical testing. Allele origin: germline. Affected: yes.
Comment: Not observed at significant frequency in large population cohorts (gnomAD); In silico analysis supports that this missense variant does not alter protein structure/function; Has not been previously published as pathogenic or benign to our knowledge

NM_001197104.2(KMT2A):c.322G>C (p.Val108Leu)

Gene: KMT2A (lysine methyltransferase 2A; plus strand). Cytogenetic location: 11q23.3.
Variant type: single nucleotide variant.
Coding change: c.322G>C on transcript NM_001197104.2 (MANE Select); coding-DNA position 322, G replaced by C.
Protein change: p.Val108Leu; replaces valine 108 with leucine.
Molecular consequence: missense variant.
Genome position (GRCh38, 1-based): chr11:118,436,834, G>C. VCF-style: chr11-118436834-G-C. GRCh37 (hg19) VCF-style: chr11-118307549-G-C.
Other names: c.322G>C, p.Val108Leu (NM_005933.4); short protein forms V108L.
Identifiers: ClinVar variation 1704883 (VCV001704883.2), dbSNP rs1482202552, ClinGen allele CA382798235.